The following is an entry in ClinVar:

NM_001458.5(FLNC):c.1706C>T (p.Ala569Val)

Gene: FLNC (filamin C; plus strand). Cytogenetic location: 7q32.1.
Variant type: single nucleotide variant.
Coding change: c.1706C>T on transcript NM_001458.5 (MANE Select); coding-DNA position 1706, C replaced by T.
Protein change: p.Ala569Val; replaces alanine 569 with valine.
Molecular consequence: missense variant.
Genome position (GRCh38, 1-based): chr7:128,840,863, C>T. VCF-style: chr7-128840863-C-T. GRCh37 (hg19) VCF-style: chr7-128480917-C-T.
Other names: c.1706C>T, p.Ala569Val (NM_001127487.2); short protein forms A569V.
Identifiers: ClinVar variation 1502575 (VCV001502575.7), dbSNP rs2128935115, ClinGen allele CA369226905.

ClinVar aggregate classification (germline): Uncertain significance (1 of 4 stars; one submission).

Conditions:
Hypertrophic cardiomyopathy 26. Also called: Cardiomyopathy, familial hypertrophic, 26. Identifiers: Orphanet 75249, MedGen C4310749, MONDO:0014883, OMIM 617047.
Dilated Cardiomyopathy, Dominant.
Myofibrillar myopathy 5. Also called: Filaminopathy (type); FILAMINOPATHY, AUTOSOMAL DOMINANT. Identifiers: Orphanet 171445, MedGen C1836050, MONDO:0012289, OMIM 609524.
Distal myopathy with posterior leg and anterior hand involvement. Also called: WILLIAMS DISTAL MYOPATHY. Identifiers: Orphanet 63273, MedGen C3279722, MONDO:0013550, OMIM 614065.

Submission:

Labcorp Genetics (formerly Invitae), Labcorp
Classification: Uncertain significance for Distal myopathy with posterior leg and anterior hand involvement; Myofibrillar myopathy 5; Hypertrophic cardiomyopathy 26. Last evaluated: 2020-11-23. Review status: criteria provided, single submitter. Criteria: Invitae Variant Classification Sherloc (09022015). Collection method: clinical testing. Allele origin: germline.
Comment: This sequence change replaces alanine with valine at codon 569 of the FLNC protein (p.Ala569Val). The alanine residue is moderately conserved and there is a small physicochemical difference between alanine and valine. This variant is not present in population databases (ExAC no frequency). This variant has not been reported in the literature in individuals with FLNC-related conditions. Algorithms developed to predict the effect of missense changes on protein structure and function (SIFT, PolyPhen-2, Align-GVGD) all suggest that this variant is likely to be tolerated, but these predictions have not been confirmed by published functional studies and their clinical significance is uncertain. Algorithms developed to predict the effect of sequence changes on RNA splicing suggest that this variant may create or strengthen a splice site, but this prediction has not been confirmed by published transcriptional studies. In summary, the available evidence is currently insufficient to determine the role of this variant in disease. Therefore, it has been classified as a Variant of Uncertain Significance.